The following is an entry in ClinVar:

NM_006642.5(SDCCAG8):c.160A>T (p.Thr54Ser)

Gene: SDCCAG8 (SHH signaling and ciliogenesis regulator SDCCAG8; plus strand). Cytogenetic location: 1q43.
Variant type: single nucleotide variant.
Coding change: c.160A>T on transcript NM_006642.5 (MANE Select); coding-DNA position 160, A replaced by T.
Protein change: p.Thr54Ser; replaces threonine 54 with serine.
Molecular consequence: missense variant. On other transcripts: 5 prime UTR variant (4).
Genome position (GRCh38, 1-based): chr1:243,270,197, A>T. VCF-style: chr1-243270197-A-T. GRCh37 (hg19) VCF-style: chr1-243433499-A-T.
Other names: c.-953A>T (NM_001350246.2); c.-841A>T (NM_001350247.2); c.160A>T, p.Thr54Ser (NM_001350248.2); c.-135A>T (NM_001350249.2); c.-1214A>T (NM_001350251.2); short protein forms T54S.
Identifiers: ClinVar variation 665268 (VCV000665268.11), dbSNP rs761616528, ClinGen allele CA1483210.

ClinVar aggregate classification (germline): Uncertain significance. Review status: criteria provided, multiple submitters, no conflicts (2 of 4 stars). 3 submissions from 3 submitters: Uncertain significance (3). Last evaluated 2026-04-03.

Conditions:
Bardet-Biedl syndrome 16 (BBS16). Identifiers: Orphanet 110, MedGen C3889474, MONDO:0014444, OMIM 615993.
Senior-Loken syndrome 7 (SLSN7). Identifiers: Orphanet 3156, MedGen C3150877, MONDO:0013326, OMIM 613615.
SDCCAG8-related disorder. Also called: SDCCAG8-Related Disorders; SDCCAG8-related condition.
Inborn genetic diseases. Identifiers: MedGen C0950123, MeSH D030342.

Allele frequency attached by ClinVar (database versions not stated): gnomAD 0.00009 and 0.00008; TOPMed 0.00012; ExAC 0.00004; gnomAD exomes 0.00004.
gnomAD v4.1: 69 of 1,614,034 alleles (0.0043%); highest among the groups gnomAD compares: Non-Finnish European, 0.0053%; no homozygotes.

Submissions (3):

PreventionGenetics, part of Exact Sciences
Classification: Uncertain significance for SDCCAG8-related condition. Last evaluated: 2026-04-03. Review status: criteria provided, single submitter. Criteria: ACMG Guidelines, 2015. Collection method: clinical testing. Allele origin: germline.
Comment: The SDCCAG8 c.160A>T variant is predicted to result in the amino acid substitution p.Thr54Ser. To our knowledge, this variant has not been reported in the literature. This variant is reported in 0.0085% of alleles in individuals of European (Non-Finnish) descent in gnomAD. At this time, the clinical significance of this variant is uncertain due to the absence of conclusive functional and genetic evidence.

Ambry Genetics
Classification: Uncertain significance for Inborn genetic diseases. Last evaluated: 2025-12-08. Review status: criteria provided, single submitter. Criteria: Ambry Variant Classification Scheme 2023. Collection method: clinical testing. Allele origin: germline.

Labcorp Genetics (formerly Invitae), Labcorp
Classification: Uncertain significance for Bardet-Biedl syndrome 16; Senior-Loken syndrome 7. Last evaluated: 2022-10-24. Review status: criteria provided, single submitter. Criteria: Invitae Variant Classification Sherloc (09022015). Collection method: clinical testing. Allele origin: germline.
Comment: This sequence change replaces threonine, which is neutral and polar, with serine, which is neutral and polar, at codon 54 of the SDCCAG8 protein (p.Thr54Ser). This variant is present in population databases (rs761616528, gnomAD 0.009%). This variant has not been reported in the literature in individuals affected with SDCCAG8-related conditions. ClinVar contains an entry for this variant (Variation ID: 665268). Advanced modeling of protein sequence and biophysical properties (such as structural, functional, and spatial information, amino acid conservation, physicochemical variation, residue mobility, and thermodynamic stability) performed at Invitae indicates that this missense variant is not expected to disrupt SDCCAG8 protein function. In summary, the available evidence is currently insufficient to determine the role of this variant in disease. Therefore, it has been classified as a Variant of Uncertain Significance.